The following is an entry in ClinVar:

ClinVar aggregate classification (germline): Uncertain significance. Review status: criteria provided, multiple submitters, no conflicts (2 of 4 stars). 2 submissions from 2 submitters: Uncertain significance (2). Last evaluated 2024-12-02.

Conditions:
Inborn genetic diseases. Identifiers: MedGen C0950123, MeSH D030342.

Allele frequency attached by ClinVar (database versions not stated): gnomAD exomes below 0.00001; ExAC 0.00001; gnomAD 0.00001; TOPMed 0.00002.
gnomAD v4.1: 3 of 1,614,046 alleles (0.00019%); highest among the groups gnomAD compares: East Asian, 0.0067%; no homozygotes.

Submissions (2):

Labcorp Genetics (formerly Invitae), Labcorp
Classification: Uncertain significance. Last evaluated: 2024-12-02. Review status: criteria provided, single submitter. Criteria: Invitae Variant Classification Sherloc (09022015). Collection method: clinical testing. Allele origin: germline.
Comment: This sequence change replaces arginine, which is basic and polar, with serine, which is neutral and polar, at codon 2182 of the FN1 protein (p.Arg2182Ser). This variant is present in population databases (rs760028225, gnomAD 0.01%). This variant has not been reported in the literature in individuals affected with FN1-related conditions. ClinVar contains an entry for this variant (Variation ID: 2040328). An algorithm developed to predict the effect of missense changes on protein structure and function (PolyPhen-2) suggests that this variant is likely to be tolerated. In summary, the available evidence is currently insufficient to determine the role of this variant in disease. Therefore, it has been classified as a Variant of Uncertain Significance.

Ambry Genetics
Classification: Uncertain significance for Inborn genetic diseases. Last evaluated: 2023-03-01. Review status: criteria provided, single submitter. Criteria: Ambry Variant Classification Scheme 2023. Collection method: clinical testing. Allele origin: germline.

NM_212482.4(FN1):c.6546G>C (p.Arg2182Ser)

Gene: FN1 (fibronectin 1; minus strand). Cytogenetic location: 2q35.
Variant type: single nucleotide variant.
Coding change: c.6546G>C on transcript NM_212482.4 (MANE Select); coding-DNA position 6546, G replaced by C.
Protein change: p.Arg2182Ser; replaces arginine 2182 with serine.
Molecular consequence: missense variant. On other transcripts: intron variant (10).
Genome position (GRCh38, 1-based): chr2:215,372,077, C>G on the plus strand (G>C on the coding strand, the complement: FN1 is on the minus strand). VCF-style: chr2-215372077-C-G. GRCh37 (hg19) VCF-style: chr2-216236800-C-G.
Other names: c.6546G>C (NM_212482.1); c.6276G>C, p.Arg2092Ser (NM_001365517.2); c.6273G>C, p.Arg2091Ser (NM_001365518.2); c.6201G>C, p.Arg2067Ser (NM_001365519.2); c.6198G>C, p.Arg2066Ser (NM_001365520.2); c.5928G>C, p.Arg1976Ser (NM_001365523.2); c.6003G>C, p.Arg2001Ser (NM_212476.3); c.5705-62G>C (NM_212474.3); and 9 more; short protein forms R2067S, R2091S, R2092S, R1976S, R2001S, R2066S, R2182S.
Identifiers: ClinVar variation 2040328 (VCV002040328.6), dbSNP rs760028225, ClinGen allele CA2093828.